The following is an entry in ClinVar:

NM_152383.5(DIS3L2):c.2302del (p.Leu768fs)

Gene: DIS3L2 (DIS3 like 3'-5' exoribonuclease 2; plus strand). Cytogenetic location: 2q37.1.
Variant type: Deletion.
Coding change: c.2302del on transcript NM_152383.5 (MANE Select); coding-DNA position 2302, one base deleted (C; older notation c.2302delC).
Protein change: p.Leu768fs; shifts the reading frame from leucine 768.
Molecular consequence: frameshift variant. On other transcripts: non-coding transcript variant (2), intron variant (1).
Genome position (GRCh38, 1-based): chr2:232,334,643, C deleted; the last of 5 consecutive C bases (chr2:232,334,639-232,334,643); deleting any one gives the same sequence. VCF-style (leftmost placement, unchanged base first): chr2-232334638-GC-G. GRCh37 (hg19) VCF-style: chr2-233199348-GC-G.
Other names: c.1582-8702del (NM_001257281.2); short protein forms L768fs.
Identifiers: ClinVar variation 2674842 (VCV002674842.4), dbSNP rs1559220022, ClinGen allele CA540308659.
Genomic context (GRCh38, chr2:232,334,638, plus strand): 5'-AGGAGCCCAGGGCAGTGCCAGGAGGTGCCATGGCTGCAGCACTGTCCCTGCAGGAGAGTG[GC>G]CCCCTGGAGTCAGAAGCCATGGTGATGGGCATCCTGAAGCAAGCCTTCGACGTGCTGGTG-3'

ClinVar aggregate classification (germline): Pathogenic/Likely pathogenic. Review status: criteria provided, multiple submitters, no conflicts (2 of 4 stars). 2 submissions from 2 submitters: Pathogenic (1); Likely pathogenic (1). Last evaluated 2023-11-03.

Conditions:
Perlman syndrome (PRLMNS). Identifiers: Orphanet 2849, MedGen C0796113, MONDO:0009965, OMIM 267000.

Submissions (2):

Labcorp Genetics (formerly Invitae), Labcorp
Classification: Pathogenic for Perlman syndrome. Last evaluated: 2023-11-03. Review status: criteria provided, single submitter. Criteria: Invitae Variant Classification Sherloc (09022015). Collection method: clinical testing. Allele origin: germline.
Comment: This sequence change creates a premature translational stop signal (p.Leu768Trpfs*7) in the DIS3L2 gene. It is expected to result in an absent or disrupted protein product. Loss-of-function variants in DIS3L2 are known to be pathogenic (PMID: 22306653, 28328139). The frequency data for this variant in the population databases is considered unreliable, as metrics indicate poor data quality at this position in the gnomAD database. This variant has not been reported in the literature in individuals affected with DIS3L2-related conditions. For these reasons, this variant has been classified as Pathogenic.

Baylor Genetics
Classification: Likely pathogenic for Perlman syndrome. Last evaluated: 2023-06-22. Review status: criteria provided, single submitter. Criteria: ACMG Guidelines, 2015. Collection method: clinical testing. Allele origin: unknown.

Literature cited by the submitters: PubMed 22306653 (cited by Labcorp Genetics (formerly Invitae), Labcorp); PubMed 28328139 (cited by Labcorp Genetics (formerly Invitae), Labcorp).